The following is an entry in ClinVar:

NM_001276270.2(MBD4):c.587C>G (p.Ser196Ter)

Gene: MBD4 (methyl-CpG binding domain 4, DNA glycosylase; minus strand). Cytogenetic location: 3q21.3.
Variant type: single nucleotide variant.
Coding change: c.587C>G on transcript NM_001276270.2 (MANE Select); coding-DNA position 587, C replaced by G.
Protein change: p.Ser196Ter; replaces serine 196 with a stop codon.
Molecular consequence: nonsense. On other transcripts: intron variant (1).
Genome position (GRCh38, 1-based): chr3:129,437,057, G>C on the plus strand (C>G on the coding strand, the complement: MBD4 is on the minus strand). VCF-style: chr3-129437057-G-C. GRCh37 (hg19) VCF-style: chr3-129155900-G-C.
Other names: c.587C>G, p.Ser196Ter (NM_001276271.2, NM_001276272.2, NM_003925.3); c.247+751C>G (NM_001276273.2); short protein forms S196*.
Identifiers: ClinVar variation 3543766 (VCV003543766.1).
Genomic context (GRCh38, chr3:129,437,057, plus strand): 5'-TCTTTCAAAAGCAAATGAGTGGAAGTAAAGTTAGAGAGTCCTCTGCTCTCCTGCAACTCT[G>C]AACTACTACTTGGCGGCATAAACACATCCTTTTTGCACTTGCTTCGGGTCCTGAGGTTCC-3'

ClinVar aggregate classification (germline): Pathogenic (1 of 4 stars; one submission).

Conditions:
Inborn genetic diseases. Identifiers: MedGen C0950123, MeSH D030342.

gnomAD v4.1: 1 of 1,614,142 alleles (0.000062%); highest among the groups gnomAD compares: Non-Finnish European, 0.000085%; no homozygotes.

Submission:

Ambry Genetics
Classification: Pathogenic for Inborn genetic diseases. Last evaluated: 2024-12-09. Review status: criteria provided, single submitter. Criteria: Ambry Variant Classification Scheme 2023. Collection method: clinical testing. Allele origin: germline.
Comment: The p.S196* pathogenic mutation (also known as c.587C>G), located in coding exon 3 of the MBD4 gene, results from a C to G substitution at nucleotide position 587. This changes the amino acid from a serine to a stop codon within coding exon 3. This variant is considered to be rare based on population cohorts in the Genome Aggregation Database (gnomAD). This alteration is expected to result in loss of function by premature protein truncation or nonsense-mediated mRNA decay. As such, this alteration is interpreted as a disease-causing mutation.